The following is an entry in ClinVar:

NM_004526.4(MCM2):c.2473C>T (p.Arg825Trp)

Genes: MCM2 (minichromosome maintenance complex component 2; plus strand), LOC107986126 (uncharacterized LOC107986126; minus strand). Cytogenetic location: 3q21.3.
Variant type: single nucleotide variant.
Coding change: c.2473C>T on transcript NM_004526.4 (MANE Select); coding-DNA position 2473, C replaced by T.
Protein change: p.Arg825Trp; replaces arginine 825 with tryptophan.
Molecular consequence: missense variant. On other transcripts: non-coding transcript variant (1).
Genome position (GRCh38, 1-based): chr3:127,621,097, C>T. VCF-style: chr3-127621097-C-T. GRCh37 (hg19) VCF-style: chr3-127339940-C-T.
Other names: short protein forms R825W.
Identifiers: ClinVar variation 2384899 (VCV002384899.5), dbSNP rs771601773, ClinGen allele CA2596263.

ClinVar aggregate classification (germline): Uncertain significance. Review status: criteria provided, multiple submitters, no conflicts (2 of 4 stars). 2 submissions from 2 submitters: Uncertain significance (2). Last evaluated 2023-04-25.

Allele frequency attached by ClinVar (database versions not stated): ExAC 0.00002; gnomAD 0.00003; TOPMed 0.00003; gnomAD exomes 0.00007.
gnomAD v4.1: 108 of 1,614,108 alleles (0.0067%); highest among the groups gnomAD compares: Non-Finnish European, 0.0087%; no homozygotes.

Submissions (2):

Labcorp Genetics (formerly Invitae), Labcorp
Classification: Uncertain significance. Last evaluated: 2023-04-25. Review status: criteria provided, single submitter. Criteria: Invitae Variant Classification Sherloc (09022015). Collection method: clinical testing. Allele origin: germline.
Comment: This sequence change replaces arginine, which is basic and polar, with tryptophan, which is neutral and slightly polar, at codon 825 of the MCM2 protein (p.Arg825Trp). This variant is present in population databases (rs771601773, gnomAD 0.008%). In summary, the available evidence is currently insufficient to determine the role of this variant in disease. Therefore, it has been classified as a Variant of Uncertain Significance. Advanced modeling of protein sequence and biophysical properties (such as structural, functional, and spatial information, amino acid conservation, physicochemical variation, residue mobility, and thermodynamic stability) performed at Invitae indicates that this missense variant is not expected to disrupt MCM2 protein function. ClinVar contains an entry for this variant (Variation ID: 2384899). This variant has not been reported in the literature in individuals affected with MCM2-related conditions.

Ambry Genetics
Classification: Uncertain significance. Last evaluated: 2021-12-13. Review status: criteria provided, single submitter. Criteria: Ambry Variant Classification Scheme 2023. Collection method: clinical testing. Allele origin: germline.